The following is an entry in ClinVar:

NM_004733.4(SLC33A1):c.177C>T (p.Gly59=)

Gene: SLC33A1 (solute carrier family 33 member 1; minus strand). Cytogenetic location: 3q25.31.
Variant type: single nucleotide variant.
Coding change: c.177C>T on transcript NM_004733.4 (MANE Select); coding-DNA position 177, C replaced by T.
Protein change: p.Gly59=; no amino-acid change (glycine 59 retained).
Molecular consequence: synonymous variant.
Genome position (GRCh38, 1-based): chr3:155,853,821, G>A on the plus strand (C>T on the coding strand, the complement: SLC33A1 is on the minus strand). VCF-style: chr3-155853821-G-A. GRCh37 (hg19) VCF-style: chr3-155571610-G-A.
Other names: p.Gly59=; c.177C>T, p.Gly59= (NM_001190992.2, NM_001363883.1); c.177C>T (NM_004733.3).
Identifiers: ClinVar variation 1554477 (VCV001554477.11), dbSNP rs139129650, ClinGen allele CA2677441.

ClinVar aggregate classification (germline): Likely benign. Review status: criteria provided, multiple submitters, no conflicts (2 of 4 stars). 4 submissions from 4 submitters: Likely benign (4). Last evaluated 2026-07-01.

Conditions:
Spastic paraplegia. Identifiers: MedGen C0037772, HP:0001258.

Allele frequency attached by ClinVar (database versions not stated): 1000 Genomes Project 30x 0.00016; 1000 Genomes Project 0.00020; ESP Exome Variant Server 0.00031; TOPMed 0.00031; gnomAD 0.00026 and 0.00027.
gnomAD v4.1: 316 of 1,610,200 alleles (0.02%); highest among the groups gnomAD compares: Admixed American, 0.032%; 1 homozygote.

Submissions (4):

CeGaT Center for Human Genetics Tuebingen
Classification: Likely benign. Last evaluated: 2026-07-01. Review status: criteria provided, single submitter. Criteria: CeGaT Center For Human Genetics Tuebingen Variant Classification Criteria Version 2. Collection method: clinical testing. Allele origin: germline. Affected: yes. Observed: 1 variant allele.
Comment: SLC33A1: BP4, BP7

Labcorp Genetics (formerly Invitae), Labcorp
Classification: Likely benign for Spastic paraplegia. Last evaluated: 2025-08-20. Review status: criteria provided, single submitter. Criteria: Invitae Variant Classification Sherloc (09022015). Collection method: clinical testing. Allele origin: germline.

Mayo Clinic Laboratories, Mayo Clinic
Classification: Likely benign. Last evaluated: 2025-04-21. Review status: criteria provided, single submitter. Criteria: ACMG Guidelines, 2015. Collection method: clinical testing. Allele origin: germline. Observed: 1 variant allele.
Comment: BP4, BP7

Athena Diagnostics
Classification: Likely benign. Last evaluated: 2023-11-02. Review status: criteria provided, single submitter. Criteria: Athena Diagnostics Criteria. Collection method: clinical testing. Allele origin: unknown.